The following is an entry in ClinVar:

ClinVar aggregate classification (germline): Uncertain significance (1 of 4 stars; one submission).

Conditions:
Inborn genetic diseases. Identifiers: MedGen C0950123, MeSH D030342.

gnomAD v4.1: 3 of 1,611,802 alleles (0.00019%); highest among the groups gnomAD compares: Non-Finnish European, 0.00025%; no homozygotes.

Submission:

Ambry Genetics
Classification: Uncertain significance for Inborn genetic diseases. Last evaluated: 2025-11-24. Review status: criteria provided, single submitter. Criteria: Ambry Variant Classification Scheme 2023. Collection method: clinical testing. Allele origin: germline.
Comment: The p.V993L variant (also known as c.2977G>C), located in coding exon 29 of the RTEL1 gene, results from a G to C substitution at nucleotide position 2977. The valine at codon 993 is replaced by leucine, an amino acid with highly similar properties. This amino acid position is conserved. In addition, this alteration is predicted to be tolerated by in silico analysis. Based on the available evidence, the clinical significance of this variant remains unclear.

NM_001283009.2(RTEL1):c.2977G>C (p.Val993Leu)

Genes: RTEL1 (regulator of telomere elongation helicase 1; plus strand), RTEL1-TNFRSF6B (RTEL1-TNFRSF6B readthrough (NMD candidate); plus strand). Cytogenetic location: 20q13.33.
Variant type: single nucleotide variant.
Coding change: c.2977G>C on transcript NM_001283009.2 (MANE Select); coding-DNA position 2977, G replaced by C.
Protein change: p.Val993Leu; replaces valine 993 with leucine.
Molecular consequence: missense variant. On other transcripts: non-coding transcript variant (1).
Genome position (GRCh38, 1-based): chr20:63,693,268, G>C. VCF-style: chr20-63693268-G-C. GRCh37 (hg19) VCF-style: chr20-62324621-G-C.
Other names: c.2308G>C, p.Val770Leu (NM_001283010.1); c.2977G>C, p.Val993Leu (NM_016434.4); c.3049G>C, p.Val1017Leu (NM_032957.5); short protein forms V1017L, V770L, V993L.
Identifiers: ClinVar variation 4629621 (VCV004629621.1).